The following is an entry in ClinVar:

ClinVar aggregate classification (germline): Uncertain significance (1 of 4 stars; one submission).

Conditions:
Fetal akinesia deformation sequence 1 (FADS1). Also called: Pena-Shokeir syndrome type I; Fetal akinesia sequence. Identifiers: Orphanet 994, MedGen C1276035, MONDO:0100101, OMIM 208150, HP:0001989.
Congenital myasthenic syndrome 11. Also called: Myasthenic syndrome, congenital, 11, associated with acetylcholine receptor deficiency; MYASTHENIC SYNDROME, CONGENITAL, Ie. Identifiers: Orphanet 590, MedGen C4225367, MONDO:0014588, OMIM 616326.

gnomAD v4.1: 9 of 1,549,798 alleles (0.00058%); highest among the groups gnomAD compares: South Asian, 0.011%; no homozygotes.

Submission:

Labcorp Genetics (formerly Invitae), Labcorp
Classification: Uncertain significance for Congenital myasthenic syndrome 11; Fetal akinesia deformation sequence 1. Last evaluated: 2022-05-22. Review status: criteria provided, single submitter. Criteria: Invitae Variant Classification Sherloc (09022015). Collection method: clinical testing. Allele origin: germline.
Comment: This sequence change replaces glycine, which is neutral and non-polar, with tryptophan, which is neutral and slightly polar, at codon 395 of the RAPSN protein (p.Gly395Trp). This variant is present in population databases (rs768882267, gnomAD 0.02%). This variant has not been reported in the literature in individuals affected with RAPSN-related conditions. Algorithms developed to predict the effect of missense changes on protein structure and function are either unavailable or do not agree on the potential impact of this missense change (SIFT: "Deleterious"; PolyPhen-2: "Possibly Damaging"; Align-GVGD: "Class C0"). In summary, the available evidence is currently insufficient to determine the role of this variant in disease. Therefore, it has been classified as a Variant of Uncertain Significance.

NM_005055.5(RAPSN):c.1183G>T (p.Gly395Trp)

Gene: RAPSN (receptor associated protein of the synapse; minus strand). Cytogenetic location: 11p11.2.
Variant type: single nucleotide variant.
Coding change: c.1183G>T on transcript NM_005055.5 (MANE Select); coding-DNA position 1183, G replaced by T.
Protein change: p.Gly395Trp; replaces glycine 395 with tryptophan.
Molecular consequence: missense variant.
Genome position (GRCh38, 1-based): chr11:47,438,031, C>A on the plus strand (G>T on the coding strand, the complement: RAPSN is on the minus strand). VCF-style: chr11-47438031-C-A. GRCh37 (hg19) VCF-style: chr11-47459582-C-A.
Other names: c.1006G>T, p.Gly336Trp (NM_032645.5); short protein forms G336W, G395W.
Identifiers: ClinVar variation 2157863 (VCV002157863.1), dbSNP rs768882267, ClinGen allele CA5976458.
Genomic context (GRCh38, chr11:47,438,031, plus strand): 5'-GGAGTCATACAAAGCCAGGCTTCATGGATGAGCGGCGGCAGTTGGGACAGCTCCGGGTCC[C>A]GTTGTTCTGCAGGCACCTGGGGAGGCAAAGGGCCCTGTCCACTCCCCTGAGGCCTGTCCT-3'
Protein context (NP_005046.2, residues 385-405): IFHLRCLQNN[Gly395Trp]TRSCPNCRRS